The following is an entry in ClinVar:

NM_000169.3(GLA):c.558C>A (p.His186Gln)

Genes: GLA (galactosidase alpha; minus strand), RPL36A-HNRNPH2 (RPL36A-HNRNPH2 readthrough; plus strand). Cytogenetic location: Xq22.1.
Variant type: single nucleotide variant.
Coding change: c.558C>A on transcript NM_000169.3 (MANE Select); coding-DNA position 558, C replaced by A.
Protein change: p.His186Gln; replaces histidine 186 with glutamine.
Molecular consequence: missense variant. On other transcripts: non-coding transcript variant (2), intron variant (2).
Genome position (GRCh38, 1-based): chrX:101,400,747, G>T on the plus strand (C>A on the coding strand, the complement: GLA is on the minus strand). VCF-style: chrX-101400747-G-T. GRCh37 (hg19) VCF-style: chrX-100655735-G-T.
Other names: c.681C>A, p.His227Gln (NM_001406747.1); c.558C>A, p.His186Gln (NM_001406748.1); c.300+5290G>T (NM_001199973.2); c.177+8925G>T (NM_001199974.2); short protein forms H227Q, H186Q.
Identifiers: ClinVar variation 3690515 (VCV003690515.2).
Genomic context (GRCh38, chrX:101,400,747, plus strand): 5'-AAGAGGCCACTCACAGGAGTACACAATGCTTCTGCCAGTCCTATTCAGGGCCAAGGACAT[G>T]TGCTTATAACCTGTATGAGAAAACAATGGGTAAAATAAGGGAAAGAAATGAATTTCCAGC-3'
Protein context (NP_000160.1, residues 176-196): SLENLADGYK[His186Gln]MSLALNRTGR

ClinVar aggregate classification (germline): Uncertain significance (1 of 4 stars; one submission).

Conditions:
Fabry disease. Also called: Fabry's disease; ALPHA-GALACTOSIDASE A DEFICIENCY; ANDERSON-FABRY DISEASE; CERAMIDE TRIHEXOSIDASE DEFICIENCY; GLA DEFICIENCY; HEREDITARY DYSTOPIC LIPIDOSIS. Identifiers: Orphanet 324, MedGen C0002986, MONDO:0010526, OMIM 301500, HP:0001071. Disease mechanism: Fabry disease is due to inactivating mutations in the X-linked GLA gene resulting in deficiency of the enzyme Alpha Galactosidase-A., loss of function.

Submission:

Labcorp Genetics (formerly Invitae), Labcorp
Classification: Uncertain significance for Fabry disease. Last evaluated: 2024-02-05. Review status: criteria provided, single submitter. Criteria: Invitae Variant Classification Sherloc (09022015). Collection method: clinical testing. Allele origin: germline.
Comment: This sequence change replaces histidine, which is basic and polar, with glutamine, which is neutral and polar, at codon 186 of the GLA protein (p.His186Gln). This variant is not present in population databases (gnomAD no frequency). This variant has not been reported in the literature in individuals affected with GLA-related conditions. Advanced modeling of protein sequence and biophysical properties (such as structural, functional, and spatial information, amino acid conservation, physicochemical variation, residue mobility, and thermodynamic stability) performed at Invitae indicates that this missense variant is not expected to disrupt GLA protein function with a negative predictive value of 80%. In summary, the available evidence is currently insufficient to determine the role of this variant in disease. Therefore, it has been classified as a Variant of Uncertain Significance.